The following is an entry in ClinVar:

ClinVar aggregate classification (germline): Pathogenic (1 of 4 stars; one submission).

Conditions:
Primary ciliary dyskinesia. Also called: Ciliary dyskinesia. Identifiers: Orphanet 244, MedGen C0008780, MONDO:0016575, HP:0012265.

Submission:

Labcorp Genetics (formerly Invitae), Labcorp
Classification: Pathogenic for Primary ciliary dyskinesia. Last evaluated: 2023-06-17. Review status: criteria provided, single submitter. Criteria: Invitae Variant Classification Sherloc (09022015). Collection method: clinical testing. Allele origin: unknown.
Comment: For these reasons, this variant has been classified as Pathogenic. This variant has not been reported in the literature in individuals affected with DNAH5-related conditions. This variant is a gross deletion of the genomic region encompassing exon(s) 32-47 of the DNAH5 gene. This deletion is out-of-frame, and is expected to create a premature termination codon and result in an absent or disrupted protein product. Loss-of-function variants in DNAH5 are known to be pathogenic (PMID: 11788826, 16627867).

Literature cited by the submitters: PubMed 11788826; PubMed 16627867.

NC_000005.9:g.(?_13807680)_(13845122_?)del

Gene: DNAH5 (dynein axonemal heavy chain 5; minus strand). Cytogenetic location: 5p15.2.
Variant type: Deletion.
Identifiers: ClinVar variation 3246259 (VCV003246259.1).